The following is an entry in ClinVar:

NM_001003800.2(BICD2):c.953C>G (p.Ser318Cys)

Gene: BICD2 (BICD cargo adaptor 2; minus strand). Cytogenetic location: 9q22.31.
Variant type: single nucleotide variant.
Coding change: c.953C>G on transcript NM_001003800.2 (MANE Select); coding-DNA position 953, C replaced by G.
Protein change: p.Ser318Cys; replaces serine 318 with cysteine.
Molecular consequence: missense variant.
Genome position (GRCh38, 1-based): chr9:92,720,409, G>C on the plus strand (C>G on the coding strand, the complement: BICD2 is on the minus strand). VCF-style: chr9-92720409-G-C. GRCh37 (hg19) VCF-style: chr9-95482691-G-C.
Other names: c.953C>G, p.Ser318Cys (NM_015250.4); short protein forms S318C.
Identifiers: ClinVar variation 3355758 (VCV003355758.1).
Genomic context (GRCh38, chr9:92,720,409, plus strand): 5'-CTGAGTAGGTCGGAGACGAGGCTGGGGGAGGGCGGTGCGAGGCCCTCCTTCTTGGGCGTG[G>C]AGGTCTTGTTGTCCAGTGGCAGCTTGGCCAGGCCGCCGTGCTCAAAGCCATTGACCAGGG-3'
Protein context (NP_001003800.1, residues 308-328): LAKLPLDNKT[Ser318Cys]TPKKEGLAPP

ClinVar aggregate classification (germline): Uncertain significance (0 of 4 stars; one submission).

Conditions:
BICD2-related disorder. Also called: BICD2-related condition.

gnomAD v4.1: 5 of 1,614,088 alleles (0.00031%); highest among the groups gnomAD compares: Non-Finnish European, 0.00042%; no homozygotes.

Submission:

PreventionGenetics, part of Exact Sciences
Classification: Uncertain significance for BICD2-related condition. Last evaluated: 2024-08-07. Review status: no assertion criteria provided. Collection method: clinical testing. Allele origin: germline.
Comment: The BICD2 c.953C>G variant is predicted to result in the amino acid substitution p.Ser318Cys. To our knowledge, this variant has not been reported in the literature. This variant is reported in 0.00088% of alleles in individuals of European (non-Finnish) descent in gnomAD. At this time, the clinical significance of this variant is uncertain due to the absence of conclusive functional and genetic evidence.